The following is an entry in ClinVar:

ClinVar aggregate classification (germline): Uncertain significance (1 of 4 stars; one submission).

Conditions:
Immunodeficiency 35 (IMD35). Also called: HIES WITH ATYPICAL MYCOBACTERIOSIS, AUTOSOMAL RECESSIVE; HYPER-IgE SYNDROME WITH ATYPICAL MYCOBACTERIOSIS, AUTOSOMAL RECESSIVE; TYK2 DEFICIENCY; Susceptibility to infection due to TYK2 deficiency. Identifiers: Orphanet 331226, MedGen C1969086, MONDO:0012682, OMIM 611521.

Allele frequency attached by ClinVar (database versions not stated): TOPMed 0.00004.
gnomAD v4.1: 25 of 1,613,838 alleles (0.0015%); highest among the groups gnomAD compares: Admixed American, 0.04%; no homozygotes.

Submission:

Labcorp Genetics (formerly Invitae), Labcorp
Classification: Uncertain significance for Immunodeficiency 35. Last evaluated: 2022-02-13. Review status: criteria provided, single submitter. Criteria: Invitae Variant Classification Sherloc (09022015). Collection method: clinical testing. Allele origin: germline.
Comment: This sequence change replaces valine, which is neutral and non-polar, with leucine, which is neutral and non-polar, at codon 164 of the TYK2 protein (p.Val164Leu). This variant is present in population databases (rs531355933, gnomAD 0.06%). This variant has not been reported in the literature in individuals affected with TYK2-related conditions. ClinVar contains an entry for this variant (Variation ID: 1002778). Algorithms developed to predict the effect of missense changes on protein structure and function are either unavailable or do not agree on the potential impact of this missense change (SIFT: "Not Available"; PolyPhen-2: "Possibly Damaging"; Align-GVGD: "Not Available"). In summary, the available evidence is currently insufficient to determine the role of this variant in disease. Therefore, it has been classified as a Variant of Uncertain Significance.

NM_003331.5(TYK2):c.490G>T (p.Val164Leu)

Gene: TYK2 (tyrosine kinase 2; minus strand). Cytogenetic location: 19p13.2.
Variant type: single nucleotide variant.
Coding change: c.490G>T on transcript NM_003331.5 (MANE Select); coding-DNA position 490, G replaced by T.
Protein change: p.Val164Leu; replaces valine 164 with leucine.
Molecular consequence: missense variant.
Genome position (GRCh38, 1-based): chr19:10,366,556, C>A on the plus strand (G>T on the coding strand, the complement: TYK2 is on the minus strand). VCF-style: chr19-10366556-C-A. GRCh37 (hg19) VCF-style: chr19-10477232-C-A.
Other names: c.490G>T, p.Val164Leu (NM_001385197.1, NM_001385198.1, NM_001385199.1 and 8 more transcripts); short protein forms V164L.
Identifiers: ClinVar variation 1002778 (VCV001002778.6), dbSNP rs531355933, ClinGen allele CA9193711.